The following is an entry in ClinVar:

ClinVar aggregate classification (germline): Uncertain significance (1 of 4 stars; one submission).

Conditions:
Alstrom syndrome (ALMS). Identifiers: Orphanet 64, MedGen C0268425, MONDO:0008763, OMIM 203800.

Submission:

Labcorp Genetics (formerly Invitae), Labcorp
Classification: Uncertain significance for Alstrom syndrome. Last evaluated: 2021-12-21. Review status: criteria provided, single submitter. Criteria: Invitae Variant Classification Sherloc (09022015). Collection method: clinical testing. Allele origin: germline.
Comment: In summary, the available evidence is currently insufficient to determine the role of this variant in disease. Therefore, it has been classified as a Variant of Uncertain Significance. Experimental studies and prediction algorithms are not available or were not evaluated, and the effect of this variant on mRNA splicing is currently unknown. This variant has not been reported in the literature in individuals affected with ALMS1-related conditions. Information on the frequency of this variant in the gnomAD database is not available, as this variant may be reported differently in the database. This sequence change falls in intron 18 of the ALMS1 gene. It does not directly change the encoded amino acid sequence of the ALMS1 protein.

NM_001378454.1(ALMS1):c.11873-13_11873-12delinsAC

Genes: ALMS1 (ALMS1 centrosome and basal body associated protein; plus strand), LOC126806252 (BRD4-independent group 4 enhancer GRCh37_chr2:73828496-73829695; plus strand). Cytogenetic location: 2p13.1.
Variant type: Indel.
Coding change: c.11873-13_11873-12delinsAC on transcript NM_001378454.1 (MANE Select); 13 bases into the intron before coding-DNA position 11873 through 12 bases into the intron before coding-DNA position 11873, CT replaced by AC.
Molecular consequence: intron variant.
Genome position (GRCh38, 1-based): chr2:73,601,182-73,601,183, CT replaced by AC. VCF-style: chr2-73601182-CT-AC. GRCh37 (hg19) VCF-style: chr2-73828309-CT-AC.
Other names: c.11873-13_11873-12delinsAC (NM_015120.4).
Identifiers: ClinVar variation 2192330 (VCV002192330.4), dbSNP rs2466521966, ClinGen allele CA2580068174.